The following is an entry in ClinVar:

NM_015241.3(MICAL3):c.4480T>G (p.Trp1494Gly)

Gene: MICAL3 (microtubule associated monooxygenase, calponin and LIM domain containing 3; minus strand). Cytogenetic location: 22q11.21.
Variant type: single nucleotide variant.
Coding change: c.4480T>G on transcript NM_015241.3 (MANE Select); coding-DNA position 4480, T replaced by G.
Protein change: p.Trp1494Gly; replaces tryptophan 1494 with glycine.
Molecular consequence: missense variant.
Genome position (GRCh38, 1-based): chr22:17,818,181, A>C on the plus strand (T>G on the coding strand, the complement: MICAL3 is on the minus strand). VCF-style: chr22-17818181-A-C. GRCh37 (hg19) VCF-style: chr22-18300947-A-C.
Other names: c.4480T>G (NM_015241.2); short protein forms W1494G.
Identifiers: ClinVar variation 2672893 (VCV002672893.24), dbSNP rs199672102, ClinGen allele CA10091566.
Genomic context (GRCh38, chr22:17,818,181, plus strand): 5'-CAAACGACTTCCGCACCTCCTCTCTGGGGGGCTGAGCAGGCTCCCGGGGGGGCCGCATCC[A>C]GGTGGCGGGCAAGGGCGGCGGGACCACCGAGGCATTGGGCTCGGCCTCCCTGAGCTTCCT-3'
Protein context (NP_056056.2, residues 1484-1504): SVVPPPLPAT[Trp1494Gly]MRPPREPAQP

ClinVar aggregate classification (germline): Conflicting classifications of pathogenicity. Review status: criteria provided, conflicting classifications (1 of 4 stars). 2 submissions from 2 submitters: Uncertain significance (1); Likely benign (1). Last evaluated 2023-11-01.

Allele frequency attached by ClinVar (database versions not stated): 1000 Genomes Project 0.00040; ESP Exome Variant Server 0.00043; 1000 Genomes Project 30x 0.00078; TOPMed 0.00097; gnomAD 0.00100; ExAC 0.00139.
gnomAD v4.1: 1,878 of 1,578,782 alleles (0.12%); highest among the groups gnomAD compares: Non-Finnish European, 0.14%; 1 homozygote.

Submissions (2):

CeGaT Center for Human Genetics Tuebingen
Classification: Likely benign. Last evaluated: 2023-11-01. Review status: criteria provided, single submitter. Criteria: CeGaT Center For Human Genetics Tuebingen Variant Classification Criteria Version 2. Collection method: clinical testing. Allele origin: germline. Affected: yes. Observed: 1 variant allele.
Comment: MICAL3: BP4

Ambry Genetics
Classification: Uncertain significance. Last evaluated: 2022-09-06. Review status: criteria provided, single submitter. Criteria: Ambry Variant Classification Scheme 2023. Collection method: clinical testing. Allele origin: germline.